The following is an entry in ClinVar:

NM_152703.5(SAMD9L):c.3868A>G (p.Ile1290Val)

Gene: SAMD9L (sterile alpha motif domain containing 9 like; minus strand). Cytogenetic location: 7q21.2.
Variant type: single nucleotide variant.
Coding change: c.3868A>G on transcript NM_152703.5 (MANE Select); coding-DNA position 3868, A replaced by G.
Protein change: p.Ile1290Val; replaces isoleucine 1290 with valine.
Molecular consequence: missense variant.
Genome position (GRCh38, 1-based): chr7:93,132,104, T>C on the plus strand (A>G on the coding strand, the complement: SAMD9L is on the minus strand). VCF-style: chr7-93132104-T-C. GRCh37 (hg19) VCF-style: chr7-92761417-T-C.
Other names: c.3868A>G, p.Ile1290Val (NM_001303496.3, NM_001303497.3, NM_001303498.3 and 5 more transcripts); short protein forms I1290V.
Identifiers: ClinVar variation 3949938 (VCV003949938.1).

ClinVar aggregate classification (germline): Uncertain significance (1 of 4 stars; one submission).

Conditions:
Inborn genetic diseases. Identifiers: MedGen C0950123, MeSH D030342.

gnomAD v4.1: 2 of 1,613,452 alleles (0.00012%); highest among the groups gnomAD compares: East Asian, 0.0022%; no homozygotes.

Submission:

Ambry Genetics
Classification: Uncertain significance for Inborn genetic diseases. Last evaluated: 2025-05-19. Review status: criteria provided, single submitter. Criteria: Ambry Variant Classification Scheme 2023. Collection method: clinical testing. Allele origin: germline.
Comment: The p.I1290V variant (also known as c.3868A>G), located in coding exon 1 of the SAMD9L gene, results from an A to G substitution at nucleotide position 3868. The isoleucine at codon 1290 is replaced by valine, an amino acid with highly similar properties. This amino acid position is conserved. In addition, this alteration is predicted to be tolerated by in silico analysis. Based on the available evidence, the clinical significance of this variant remains unclear.